The following is an entry in ClinVar:

ClinVar aggregate classification (germline): Benign/Likely benign. Review status: criteria provided, multiple submitters, no conflicts (2 of 4 stars). 4 submissions from 4 submitters: Benign (1); Likely benign (3). Last evaluated 2025-11-10.

Conditions:
Hereditary cancer-predisposing syndrome. Also called: Neoplastic Syndromes, Hereditary; Hereditary neoplastic syndrome; Tumor predisposition; Hereditary Cancer Syndrome. Identifiers: Orphanet 140162, MedGen C0027672, MeSH D009386, MONDO:0015356.
Tuberous sclerosis syndrome (TSC). Also called: Tuberous Sclerosis Complex; Tuberous sclerosis. Identifiers: Orphanet 805, MedGen C0041341, MONDO:0001734.
Tuberous sclerosis 2 (TSC2). Identifiers: Orphanet 805, MedGen C1860707, MONDO:0013199, OMIM 613254.

Allele frequency attached by ClinVar (database versions not stated): TOPMed below 0.00001.
gnomAD v4.1: 6 of 1,608,862 alleles (0.00037%); highest among the groups gnomAD compares: Non-Finnish European, 0.00042%; no homozygotes.

Submissions (4):

Labcorp Genetics (formerly Invitae), Labcorp
Classification: Likely benign for Tuberous sclerosis 2. Last evaluated: 2025-11-10. Review status: criteria provided, single submitter. Criteria: Invitae Variant Classification Sherloc (09022015). Collection method: clinical testing. Allele origin: germline.

Color Diagnostics, LLC DBA Color Health
Classification: Likely benign for Tuberous sclerosis syndrome. Last evaluated: 2025-08-25. Review status: criteria provided, single submitter. Criteria: ACMG Guidelines, 2015. Collection method: clinical testing. Allele origin: germline.

Myriad Genetics, Inc.
Classification: Benign for Tuberous sclerosis 2. Last evaluated: 2025-06-09. Review status: criteria provided, single submitter. Criteria: Myriad Autosomal Dominant, Autosomal Recessive and X-Linked Classification Criteria (2023). Collection method: clinical testing. Allele origin: unknown.
Comment: This variant is considered benign. This variant is a silent/synonymous amino acid change and it is not expected to impact splicing.

Ambry Genetics
Classification: Likely benign for Hereditary cancer-predisposing syndrome. Last evaluated: 2020-01-22. Review status: criteria provided, single submitter. Criteria: Ambry Variant Classification Scheme 2023. Collection method: clinical testing. Allele origin: germline.

NM_000548.5(TSC2):c.5391C>T (p.Ile1797=)

Gene: TSC2 (TSC complex subunit 2; plus strand). Cytogenetic location: 16p13.3.
Variant type: single nucleotide variant.
Coding change: c.5391C>T on transcript NM_000548.5 (MANE Select); coding-DNA position 5391, C replaced by T.
Protein change: p.Ile1797=; no amino-acid change (isoleucine 1797 retained).
Molecular consequence: synonymous variant.
Genome position (GRCh38, 1-based): chr16:2,088,577, C>T. VCF-style: chr16-2088577-C-T. GRCh37 (hg19) VCF-style: chr16-2138578-C-T.
Other names: c.5190C>T, p.Ile1730= (NM_001077183.3); c.5322C>T, p.Ile1774= (NM_001114382.3); c.5082C>T, p.Ile1694= (NM_001318827.2); c.5046C>T, p.Ile1682= (NM_001318829.2); c.4659C>T, p.Ile1553= (NM_001318831.2); c.5223C>T, p.Ile1741= (NM_001318832.2); c.5193C>T, p.Ile1731= (NM_001363528.2); c.5259C>T, p.Ile1753= (NM_001370404.1); and 2 more.
Identifiers: ClinVar variation 1132455 (VCV001132455.13), dbSNP rs571792728, ClinGen allele CA493043808.